The following is an entry in ClinVar:

ClinVar aggregate classification (germline): Uncertain significance. Review status: criteria provided, multiple submitters, no conflicts (2 of 4 stars). 2 submissions from 2 submitters: Uncertain significance (2). Last evaluated 2025-09-11.

Conditions:
Multiple endocrine neoplasia, type 1 (MEN1). Also called: MEN I; WERMER SYNDROME; Endocrine adenomatosis multiple; MEN 1; MEA I. Identifiers: Orphanet 652, MedGen C0025267, MeSH D018761, MONDO:0007540, OMIM 131100.
Hereditary cancer-predisposing syndrome. Also called: Neoplastic Syndromes, Hereditary; Hereditary neoplastic syndrome; Tumor predisposition; Hereditary Cancer Syndrome. Identifiers: Orphanet 140162, MedGen C0027672, MeSH D009386, MONDO:0015356.

Submissions (2):

Labcorp Genetics (formerly Invitae), Labcorp
Classification: Uncertain significance for Multiple endocrine neoplasia, type 1. Last evaluated: 2025-09-11. Review status: criteria provided, single submitter. Criteria: Invitae Variant Classification Sherloc (09022015). Collection method: clinical testing. Allele origin: germline.
Comment: This sequence change replaces arginine, which is basic and polar, with leucine, which is neutral and non-polar, at codon 332 of the MEN1 protein (p.Arg332Leu). This variant is not present in population databases (gnomAD no frequency). This variant has not been reported in the literature in individuals affected with MEN1-related conditions. ClinVar contains an entry for this variant (Variation ID: 1947299). Invitae Evidence Modeling of protein sequence and biophysical properties (such as structural, functional, and spatial information, amino acid conservation, physicochemical variation, residue mobility, and thermodynamic stability) has been performed for this missense variant. However, the output from this modeling did not meet the statistical confidence thresholds required to predict the impact of this variant on MEN1 protein function. In summary, the available evidence is currently insufficient to determine the role of this variant in disease. Therefore, it has been classified as a Variant of Uncertain Significance.

Ambry Genetics
Classification: Uncertain significance for Hereditary cancer-predisposing syndrome. Last evaluated: 2023-03-30. Review status: criteria provided, single submitter. Criteria: Ambry Variant Classification Scheme 2023. Collection method: clinical testing. Allele origin: germline.
Comment: The p.R332L variant (also known as c.995G>T), located in coding exon 6 of the MEN1 gene, results from a G to T substitution at nucleotide position 995. The arginine at codon 332 is replaced by leucine, an amino acid with dissimilar properties. This amino acid position is conserved. In addition, this alteration is predicted to be deleterious by in silico analysis. Since supporting evidence is limited at this time, the clinical significance of this alteration remains unclear.

NM_001370259.2(MEN1):c.995G>T (p.Arg332Leu)

Gene: MEN1 (menin 1; minus strand). Cytogenetic location: 11q13.1.
Variant type: single nucleotide variant.
Coding change: c.995G>T on transcript NM_001370259.2 (MANE Select); coding-DNA position 995, G replaced by T.
Protein change: p.Arg332Leu; replaces arginine 332 with leucine.
Molecular consequence: missense variant.
Genome position (GRCh38, 1-based): chr11:64,806,286, C>A on the plus strand (G>T on the coding strand, the complement: MEN1 is on the minus strand). VCF-style: chr11-64806286-C-A. GRCh37 (hg19) VCF-style: chr11-64573758-C-A.
Other names: c.1010G>T, p.Arg337Leu (NM_000244.4, NM_001407145.1, NM_001407150.1 and 5 more transcripts); c.995G>T, p.Arg332Leu (NM_001370251.2, NM_001370260.2, NM_001370261.2 and 7 more transcripts); c.890G>T, p.Arg297Leu (NM_001370262.2, NM_001370263.2, NM_001407148.1 and 2 more transcripts); short protein forms R332L, R337L, R297L.
Identifiers: ClinVar variation 1947299 (VCV001947299.7), dbSNP rs2136119513, ClinGen allele CA381183282.
Genomic context (GRCh38, chr11:64,806,286, plus strand): 5'-CCTCACTCCTGGATGACAGTGGCCGTGTCCGCCCAGGCCTGCAGGGCTTCCCGCACATTG[C>A]GGTTGCGACAGTGGTAGCCAGCCAGGTACATGTAGGGGTAGATGTGTTCATCCCGATAGT-3'
Protein context (NP_001357188.2, residues 322-342): MYLAGYHCRN[Arg332Leu]NVREALQAWA